The following is an entry in ClinVar:

NM_001379200.1(TBX1):c.220C>T (p.Pro74Ser)

Gene: TBX1 (T-box transcription factor 1; plus strand). Cytogenetic location: 22q11.21.
Variant type: single nucleotide variant.
Coding change: c.220C>T on transcript NM_001379200.1 (MANE Select); coding-DNA position 220, C replaced by T.
Protein change: p.Pro74Ser; replaces proline 74 with serine.
Molecular consequence: missense variant.
Genome position (GRCh38, 1-based): chr22:19,761,063, C>T. VCF-style: chr22-19761063-C-T. GRCh37 (hg19) VCF-style: chr22-19748586-C-T.
Other names: c.193C>T, p.Pro65Ser (NM_080647.1, NM_005992.1, NM_080646.2); short protein forms P65S, P74S.
Identifiers: ClinVar variation 956077 (VCV000956077.1), dbSNP rs1936642931, ClinGen allele CA410681400.
Genomic context (GRCh38, chr22:19,761,063, plus strand): 5'-CCGCCGCCGCCGCGCTACGACCCGTGCGCCGCCGCCGCCCCCGGCGCCCCGGGCCCGCCG[C>T]CGCCGCCGCACGCCTACCCGTTTGCGCCGGCCGCCGGGGCCGCCACCAGCGCCGCCGCCG-3'
Protein context (NP_001366129.1, residues 64-84): AAAPGAPGPP[Pro74Ser]PPHAYPFAPA

ClinVar aggregate classification (germline): Uncertain significance (1 of 4 stars; one submission).

Conditions:
DiGeorge syndrome. Also called: THIRD AND FOURTH PHARYNGEAL POUCH SYNDROME; Catch22. Identifiers: Orphanet 567, MedGen C0012236, MONDO:0008564, OMIM 188400.

Submission:

Labcorp Genetics (formerly Invitae), Labcorp
Classification: Uncertain significance for DiGeorge sequence. Last evaluated: 2019-11-15. Review status: criteria provided, single submitter. Criteria: Invitae Variant Classification Sherloc (09022015). Collection method: clinical testing. Allele origin: germline.
Comment: This sequence change replaces proline with serine at codon 65 of the TBX1 protein (p.Pro65Ser). The proline residue is weakly conserved and there is a moderate physicochemical difference between proline and serine. The frequency data for this variant in the population databases is considered unreliable, as metrics indicate insufficient coverage at this position in the ExAC database. This variant has not been reported in the literature in individuals with TBX1-related conditions. Algorithms developed to predict the effect of missense changes on protein structure and function are either unavailable or do not agree on the potential impact of this missense change (SIFT: "Tolerated"; PolyPhen-2: "Not available"; Align-GVGD: "Class C0"). In summary, the available evidence is currently insufficient to determine the role of this variant in disease. Therefore, it has been classified as a Variant of Uncertain Significance.